The following is an entry in ClinVar:

NM_002055.5(GFAP):c.773G>A (p.Arg258His)

Gene: GFAP (glial fibrillary acidic protein; minus strand). Cytogenetic location: 17q21.31.
Variant type: single nucleotide variant.
Coding change: c.773G>A on transcript NM_002055.5 (MANE Select); coding-DNA position 773, G replaced by A.
Protein change: p.Arg258His; replaces arginine 258 with histidine.
Molecular consequence: missense variant.
Genome position (GRCh38, 1-based): chr17:44,913,276, C>T on the plus strand (G>A on the coding strand, the complement: GFAP is on the minus strand). VCF-style: chr17-44913276-C-T. GRCh37 (hg19) VCF-style: chr17-42990644-C-T.
Other names: c.773G>A, p.Arg258His (NM_001131019.3, NM_001242376.3, NM_001363846.2); short protein forms R258H.
Identifiers: ClinVar variation 1510053 (VCV001510053.8), dbSNP rs61726468, ClinGen allele CA8608869.

ClinVar aggregate classification (germline): Uncertain significance (1 of 4 stars; one submission).

Allele frequency attached by ClinVar (database versions not stated): gnomAD exomes below 0.00001; ExAC 0.00001.

Submission:

Labcorp Genetics (formerly Invitae), Labcorp
Classification: Uncertain significance. Last evaluated: 2021-07-12. Review status: criteria provided, single submitter. Criteria: Invitae Variant Classification Sherloc (09022015). Collection method: clinical testing. Allele origin: germline.
Comment: This sequence change replaces arginine with histidine at codon 258 of the GFAP protein (p.Arg258His). The arginine residue is highly conserved and there is a small physicochemical difference between arginine and histidine. This variant is present in population databases (rs61726468, ExAC 0.02%). This variant has been observed in individual(s) with Alexander disease (PMID: 28448978, 29443213). Algorithms developed to predict the effect of missense changes on protein structure and function are either unavailable or do not agree on the potential impact of this missense change (SIFT: "Deleterious"; PolyPhen-2: "Probably Damaging"; Align-GVGD: "Class C0"). This variant disrupts the p.Arg258 amino acid residue in GFAP. Other variant(s) that disrupt this residue have been determined to be pathogenic (PMID: 11138011, 23925719, 28448978). This suggests that this residue is clinically significant, and that variants that disrupt this residue are likely to be disease-causing. In summary, the available evidence is currently insufficient to determine the role of this variant in disease. Therefore, it has been classified as a Variant of Uncertain Significance.

Literature cited by the submitters: PubMed 28448978; PubMed 29443213; PubMed 11138011; PubMed 23925719.